The following is an entry in ClinVar:

NM_033238.3(PML):c.1710+833C>T

Gene: PML (PML nuclear body scaffold; plus strand). Cytogenetic location: 15q24.1.
Variant type: single nucleotide variant.
Coding change: c.1710+833C>T on transcript NM_033238.3 (MANE Select); 833 bases into the intron after coding-DNA position 1710, C replaced by T.
Molecular consequence: intron variant. On other transcripts: synonymous variant (3), 3 prime UTR variant (2).
Genome position (GRCh38, 1-based): chr15:74,035,363, C>T. VCF-style: chr15-74035363-C-T. GRCh37 (hg19) VCF-style: chr15-74327704-C-T.
Other names: c.1902C>T, p.Pro634= (NM_033239.3); c.*707C>T (NM_033240.3); c.1887C>T, p.Pro629= (NM_033242.2); c.*227C>T (NM_033244.4); c.*692C>T (NM_033245.2); c.1758C>T, p.Pro586= (NM_033250.3); c.1710+833C>T (NM_002675.4); c.1566+833C>T (NM_033249.3); and 2 more.
Identifiers: ClinVar variation 3049463 (VCV003049463.2), dbSNP rs140216915, ClinGen allele CA7652762.

ClinVar aggregate classification (germline): Likely benign (0 of 4 stars; one submission).

Conditions:
PML-related disorder. Also called: PML-related condition.

Allele frequency attached by ClinVar (database versions not stated): gnomAD 0.00019; TOPMed 0.00021; ESP Exome Variant Server 0.00023.

Submission:

PreventionGenetics, part of Exact Sciences
Classification: Likely benign for PML-related condition. Last evaluated: 2019-07-15. Review status: no assertion criteria provided. Collection method: clinical testing. Allele origin: germline.
Comment: This variant is classified as likely benign based on ACMG/AMP sequence variant interpretation guidelines (Richards et al. 2015 PMID: 25741868, with internal and published modifications).